The following is an entry in ClinVar:

ClinVar aggregate classification (germline): Likely benign. Review status: criteria provided, multiple submitters, no conflicts (2 of 4 stars). 2 submissions from 2 submitters: Likely benign (2). Last evaluated 2025-12-09.

Conditions:
Tuberous sclerosis 2 (TSC2). Identifiers: Orphanet 805, MedGen C1860707, MONDO:0013199, OMIM 613254.
Tuberous sclerosis syndrome (TSC). Also called: Tuberous Sclerosis Complex; Tuberous sclerosis. Identifiers: Orphanet 805, MedGen C0041341, MONDO:0001734.

Submissions (2):

Labcorp Genetics (formerly Invitae), Labcorp
Classification: Likely benign for Tuberous sclerosis 2. Last evaluated: 2025-12-09. Review status: criteria provided, single submitter. Criteria: Invitae Variant Classification Sherloc (09022015). Collection method: clinical testing. Allele origin: germline.

All of Us Research Program, National Institutes of Health
Classification: Likely benign for Tuberous sclerosis syndrome. Last evaluated: 2024-07-20. Review status: criteria provided, single submitter. Criteria: ACMG Guidelines, 2015. Collection method: clinical testing. Allele origin: germline. Inheritance: Autosomal dominant inheritance. Observed: 1 variant allele, 1 heterozygote.
Comment: This study involves interpretation of variants in research participants for the purpose of population health screening. Participant phenotype was not available at the time of variant classification. Additional details can be found in publication PMID: 35346344, PMCID: PMC8962531

NM_000548.5(TSC2):c.2356-6C>T

Gene: TSC2 (TSC complex subunit 2; plus strand). Cytogenetic location: 16p13.3.
Variant type: single nucleotide variant.
Coding change: c.2356-6C>T on transcript NM_000548.5 (MANE Select); 6 bases into the intron before coding-DNA position 2356, C replaced by T.
Molecular consequence: intron variant.
Genome position (GRCh38, 1-based): chr16:2,074,194, C>T. VCF-style: chr16-2074194-C-T. GRCh37 (hg19) VCF-style: chr16-2124195-C-T.
Other names: c.2356-6C>T (NM_001114382.3, NM_021055.3, NM_001370405.1 and 3 more transcripts); c.2245-6C>T (NM_001318827.2); c.1756-6C>T (NM_001318831.2); c.2209-6C>T (NM_001318829.2); c.2389-6C>T (NM_001318832.2).
Identifiers: ClinVar variation 1151658 (VCV001151658.10), dbSNP rs2151346147, ClinGen allele CA2499223300.